The following is an entry in ClinVar:

NM_019851.3(FGF20):c.127_128delinsAA (p.Ala43Lys)

Genes: FGF20 (fibroblast growth factor 20; minus strand), LOC129999926 (ATAC-STARR-seq lymphoblastoid silent region 18958; plus strand). Cytogenetic location: 8p22.
Variant type: Indel.
Coding change: c.127_128delinsAA on transcript NM_019851.3 (MANE Select); coding-DNA positions 127 to 128, GC replaced by AA.
Protein change: p.Ala43Lys; replaces alanine 43 with lysine.
Molecular consequence: missense variant.
Genome position (GRCh38, 1-based): chr8:17,001,905-17,001,906, GC replaced by TT on the plus strand (GC replaced by AA on the coding strand, the reverse complement: FGF20 is on the minus strand). VCF-style: chr8-17001905-GC-TT. GRCh37 (hg19) VCF-style: chr8-16859414-GC-TT.
Other names: short protein forms A43K.
Identifiers: ClinVar variation 2985501 (VCV002985501.3), dbSNP rs2536546238, ClinGen allele CA2740094968.

ClinVar aggregate classification (germline): Uncertain significance (1 of 4 stars; one submission).

Submission:

Labcorp Genetics (formerly Invitae), Labcorp
Classification: Uncertain significance. Last evaluated: 2023-12-12. Review status: criteria provided, single submitter. Criteria: Invitae Variant Classification Sherloc (09022015). Collection method: clinical testing. Allele origin: germline.
Comment: This sequence change replaces alanine, which is neutral and non-polar, with lysine, which is basic and polar, at codon 43 of the FGF20 protein (p.Ala43Lys). Information on the frequency of this variant in the gnomAD database is not available, as this variant may be reported differently in the database. This variant has not been reported in the literature in individuals affected with FGF20-related conditions. An algorithm developed to predict the effect of missense changes on protein structure and function (PolyPhen-2) suggests that this variant is likely to be tolerated. In summary, the available evidence is currently insufficient to determine the role of this variant in disease. Therefore, it has been classified as a Variant of Uncertain Significance.